The following is an entry in ClinVar:

ClinVar aggregate classification (germline): Conflicting classifications of pathogenicity. Review status: criteria provided, conflicting classifications (1 of 4 stars). 5 submissions from 5 submitters: Likely pathogenic (4); Uncertain significance (1). Last evaluated 2025-01-01.

Conditions:
Seizures, benign familial infantile, 5 (BFIS5). Also called: CONVULSIONS, BENIGN FAMILIAL INFANTILE, 5. Identifiers: Orphanet 306, MedGen C4310728, MONDO:0014903, OMIM 617080.
Developmental and epileptic encephalopathy, 13 (DEE13). Also called: SCN8A-Related Epilepsy; Early infantile epileptic encephalopathy 13; Developmental and Epileptic Encephalopathy (SCN8A-DEE). Identifiers: Orphanet 442835, MedGen C3281191, MONDO:0013801, OMIM 614558.
Early-infantile DEE. Also called: Early infantile epileptic encephalopathy; Early infantile epileptic encephalopathy with suppression bursts; Ohtahara syndrome. Identifiers: Orphanet 1934, MedGen C0393706, MONDO:0800491.

Submissions (5):

Center of Human Genetics, Hôpital Erasme
Classification: Likely pathogenic for Seizures, benign familial infantile, 5. Last evaluated: 2025-01-01. Review status: criteria provided, single submitter. Criteria: ACMG Guidelines, 2015. Collection method: clinical testing. Allele origin: de novo. Affected: yes.

Labcorp Genetics (formerly Invitae), Labcorp
Classification: Uncertain significance for Early-infantile DEE. Last evaluated: 2022-07-26. Review status: criteria provided, single submitter. Criteria: Invitae Variant Classification Sherloc (09022015). Collection method: clinical testing. Allele origin: germline.
Comment: In summary, the available evidence is currently insufficient to determine the role of this variant in disease. Therefore, it has been classified as a Variant of Uncertain Significance. Algorithms developed to predict the effect of sequence changes on RNA splicing suggest that this variant may disrupt the consensus splice site. Algorithms developed to predict the effect of missense changes on protein structure and function (SIFT, PolyPhen-2, Align-GVGD) all suggest that this variant is likely to be tolerated. ClinVar contains an entry for this variant (Variation ID: 418482). This missense change has been observed in individual(s) with epilepsy and/or a neurodevelopmental disorder (PMID: 29655203). This variant is not present in population databases (gnomAD no frequency). This sequence change replaces glycine, which is neutral and non-polar, with serine, which is neutral and polar, at codon 1476 of the SCN8A protein (p.Gly1476Ser).

Victorian Clinical Genetics Services, Murdoch Childrens Research Institute
Classification: Likely pathogenic for Developmental and epileptic encephalopathy, 13. Last evaluated: 2020-10-19. Review status: criteria provided, single submitter. Criteria: ACMG Guidelines, 2015. Collection method: clinical testing. Allele origin: germline. Inheritance: Autosomal dominant inheritance. Affected: yes.
Comment: Based on the classification scheme VCGS_Germline_v1.3.3, this variant is classified as Likely Pathogenic. Following criteria are met: 0103 - Loss of function and gain of function are known mechanisms of disease in this gene and are associated with cognitive impairment with or without cerebellar ataxia (MIM#614306) and Epileptic encephalopathy, early infantile, 13 (MIM#614558), respectively. In addition, gain of function is speculated for seizures, benign familial infantile, 5 (MIM#617080) (PMID: 31904124, OMIM). (I) 0107 - This gene is associated with autosomal dominant disease. (I) 0200 - Variant is predicted to result in a missense amino acid change from glycine to serine. (I) 0251 - This variant is heterozygous. (I) 0301 - Variant is absent from gnomAD (both v2 and v3). (SP) 0501 - Missense variant consistently predicted to be damaging by multiple in silico tools or highly conserved with a major amino acid change. (SP) 0602 - Variant is located in a hotspot region or cluster of pathogenic variants (DECIPHER). (SP) 0704 - Another missense variant comparable to the one identified in this case has limited previous evidence for pathogenicity. p.(Gly1476Asp) has been identified in a family with two affected individuals who presented with early-onset infantile epilepsy without intellectual disability and neurological deficits (PMID: 29263050). (SP) 0803 - This variant has limited previous evidence of pathogenicity in unrelated individuals with SCN8A-related epilepsy and neurodevelopmental disorders (ClinVar, PMID: 29655203). (SP) 0905 - No published segregation evidence has been identified for this variant. (I) 1007 - No published functional evidence has been identified for this variant. (I) 1208 - Inheritance information for this variant is not currently available in this individual. (I) Legend: (SP) - Supporting pathogenic, (I) - Information, (SB) - Supporting benign

Mendelics
Classification: Likely pathogenic for Developmental and epileptic encephalopathy, 13. Last evaluated: 2019-05-28. Review status: criteria provided, single submitter. Criteria: Mendelics Assertion Criteria 2017. Collection method: clinical testing. Allele origin: unknown.

GeneDx
Classification: Likely pathogenic. Last evaluated: 2014-03-26. Review status: criteria provided, single submitter. Criteria: GeneDx Variant Classification (06012015). Collection method: clinical testing. Allele origin: germline. Affected: yes.
Comment: A novel G1476S variant that is likely pathogenic has been identified in the SCN8A gene. The G1476S variant has not been published as a pathogenic variant, nor has it been reported as a benign polymorphism to our knowledge. It was not observed in approximately 6,200 individuals of European and African American ancestry in an external variant database, indicating it is not a common benign variant in these populations. The G1476S variant is a non-conservative amino acid substitution, which is likely to impact secondary protein structure as these residues differ in polarity, charge, size and/or other properties. This substitution alters a highly conserved position in the cytoplasmic loop between the third and forth homologous domains. Additionally, in silico analysis predicts this variant is probably damaging to the protein structure/function. Therefore, this is a strong candidate for a pathogenic variant, however the possibility that it is a benign variant cannot be excluded.

Literature cited by the submitters: PubMed 29655203 (cited by Labcorp Genetics (formerly Invitae), Labcorp and Victorian Clinical Genetics Services, Murdoch Childrens Research Institute); PubMed 29263050 (cited by Victorian Clinical Genetics Services, Murdoch Childrens Research Institute); PubMed 31904124 (cited by Victorian Clinical Genetics Services, Murdoch Childrens Research Institute).

NM_001330260.2(SCN8A):c.4426G>A (p.Gly1476Ser)

Gene: SCN8A (sodium voltage-gated channel alpha subunit 8; plus strand). Cytogenetic location: 12q13.13.
Variant type: single nucleotide variant.
Coding change: c.4426G>A on transcript NM_001330260.2 (MANE Select); coding-DNA position 4426, G replaced by A.
Protein change: p.Gly1476Ser; replaces glycine 1476 with serine.
Molecular consequence: missense variant.
Genome position (GRCh38, 1-based): chr12:51,790,404, G>A. VCF-style: chr12-51790404-G-A. GRCh37 (hg19) VCF-style: chr12-52184188-G-A.
Other names: c.4426G>A, p.Gly1476Ser (NM_014191.4); c.4303G>A, p.Gly1435Ser (NM_001177984.3, NM_001369788.1); short protein forms G1476S, G1435S.
Identifiers: ClinVar variation 418482 (VCV000418482.15), dbSNP rs1064793263, ClinGen allele CA16619563.